The following is an entry in ClinVar:

ClinVar aggregate classification (germline): Uncertain significance (1 of 4 stars; one submission).

Conditions:
Hereditary cancer-predisposing syndrome. Also called: Tumor predisposition; Hereditary neoplastic syndrome; Hereditary Cancer Syndrome; Neoplastic Syndromes, Hereditary. Identifiers: Orphanet 140162, MedGen C0027672, MeSH D009386, MONDO:0015356.

Submission:

Ambry Genetics
Classification: Uncertain significance for Hereditary cancer-predisposing syndrome. Last evaluated: 2024-01-19. Review status: criteria provided, single submitter. Criteria: Ambry Variant Classification Scheme 2023. Collection method: clinical testing. Allele origin: germline.
Comment: The p.V130A variant (also known as c.389T>C), located in coding exon 1 of the AXIN2 gene, results from a T to C substitution at nucleotide position 389. The valine at codon 130 is replaced by alanine, an amino acid with similar properties. This amino acid position is conserved. In addition, this alteration is predicted to be tolerated by in silico analysis. Based on the available evidence, the clinical significance of this alteration remains unclear.

NM_004655.4(AXIN2):c.389T>C (p.Val130Ala)

Gene: AXIN2 (axin 2; minus strand). Cytogenetic location: 17q24.1.
Variant type: single nucleotide variant.
Coding change: c.389T>C on transcript NM_004655.4 (MANE Select); coding-DNA position 389, T replaced by C.
Protein change: p.Val130Ala; replaces valine 130 with alanine.
Molecular consequence: missense variant.
Genome position (GRCh38, 1-based): chr17:65,558,232, A>G on the plus strand (T>C on the coding strand, the complement: AXIN2 is on the minus strand). VCF-style: chr17-65558232-A-G. GRCh37 (hg19) VCF-style: chr17-63554350-A-G.
Other names: c.389T>C, p.Val130Ala (NM_001363813.1); short protein forms V130A.
Identifiers: ClinVar variation 3224406 (VCV003224406.1), dbSNP rs2044302842, ClinGen allele CA400681498.